The following is an entry in ClinVar:

NM_001567.4(INPPL1):c.2366ACA[1] (p.Asn790del)

Gene: INPPL1 (inositol polyphosphate phosphatase like 1; plus strand). Cytogenetic location: 11q13.4.
Variant type: Microsatellite.
Coding change: c.2366ACA[1] on transcript NM_001567.4 (MANE Select); one copy of the 3-base unit ACA starting at c.2366; the reference has two copies in a row; one copy, 3 bases deleted.
Protein change: p.Asn790del; deletes asparagine 790.
Molecular consequence: inframe deletion.
Genome position (GRCh38, 1-based): chr11:72,234,569-72,234,571, ACA deleted; deleting any 3 consecutive bases within chr11:72,234,566-72,234,571 gives the same sequence; the position shown is the placement nearest the transcript's 3' end. VCF-style (leftmost placement, unchanged base first): chr11-72234565-GACA-G. GRCh37 (hg19) VCF-style: chr11-71945609-GACA-G.
Other names: short protein forms N790del.
Identifiers: ClinVar variation 1935260 (VCV001935260.5), dbSNP rs771041957, ClinGen allele CA6170335.
Genomic context (GRCh38, chr11:72,234,565, plus strand): 5'-GTGTCTCCCACCCCCACCCCAGAATACAAGAAGAGCTTTGAGAATGATGCCCAGAGCAGT[GACA>G]ACATCAACTTCCTCAAAGTGCAGTGGTCTTCACGCCAGCTGCCCACGGTGAGGCTGTGGG-3'

ClinVar aggregate classification (germline): Uncertain significance (1 of 4 stars; one submission).

Submission:

Labcorp Genetics (formerly Invitae), Labcorp
Classification: Uncertain significance. Last evaluated: 2022-08-23. Review status: criteria provided, single submitter. Criteria: Invitae Variant Classification Sherloc (09022015). Collection method: clinical testing. Allele origin: germline.
Comment: Experimental studies and prediction algorithms are not available or were not evaluated, and the functional significance of this variant is currently unknown. In summary, the available evidence is currently insufficient to determine the role of this variant in disease. Therefore, it has been classified as a Variant of Uncertain Significance. This variant has not been reported in the literature in individuals affected with INPPL1-related conditions. This variant is present in population databases (rs771041957, gnomAD 0.0009%). This variant, c.2369_2371del, results in the deletion of 1 amino acid(s) of the INPPL1 protein (p.Asn790del), but otherwise preserves the integrity of the reading frame.